The following is an entry in ClinVar:

NM_000218.3(KCNQ1):c.1938C>T (p.Gly646=)

Genes: KCNQ1 (potassium voltage-gated channel subfamily Q member 1; plus strand), KCNQ1-AS1 (KCNQ1 antisense RNA 1; minus strand). Cytogenetic location: 11p15.4.
Variant type: single nucleotide variant.
Coding change: c.1938C>T on transcript NM_000218.3 (MANE Select); coding-DNA position 1938, C replaced by T.
Protein change: p.Gly646=; no amino-acid change (glycine 646 retained).
Molecular consequence: synonymous variant.
Genome position (GRCh38, 1-based): chr11:2,847,910, C>T. VCF-style: chr11-2847910-C-T. GRCh37 (hg19) VCF-style: chr11-2869140-C-T.
Other names: c.1842C>T, p.Gly614= (NM_001406836.1); c.1668C>T, p.Gly556= (NM_001406837.1); c.1398C>T, p.Gly466= (NM_001406838.1); c.450C>T, p.Gly150= (NM_001406839.1); c.1557C>T, p.Gly519= (NM_181798.2).
Identifiers: ClinVar variation 668962 (VCV000668962.19), dbSNP rs184844767, ClinGen allele CA033811.

ClinVar aggregate classification (germline): Likely benign. Review status: criteria provided, multiple submitters, no conflicts (2 of 4 stars). 6 submissions from 6 submitters: Likely benign (6). Last evaluated 2025-04-17.

Conditions:
Long QT syndrome (LQTS). Identifiers: MedGen C0023976, MeSH D008133, MONDO:0002442. Disease mechanism: loss of function. Inheritance: Various modes of inheritance.
Cardiovascular phenotype. Identifiers: MedGen CN230736.
Cardiac arrhythmia. Also called: Arrhythmia; Cardiac rhythm disease. Identifiers: MedGen C0003811, MONDO:0007263, HP:0011675.

Allele frequency attached by ClinVar (database versions not stated): TOPMed 0.00002; gnomAD exomes 0.00006; ExAC 0.00024.
gnomAD v4.1: 38 of 1,577,134 alleles (0.0024%); highest among the groups gnomAD compares: Middle Eastern, 0.017%; no homozygotes.

Submissions (6):

Labcorp Genetics (formerly Invitae), Labcorp
Classification: Likely benign for Long QT syndrome. Last evaluated: 2025-04-17. Review status: criteria provided, single submitter. Criteria: Invitae Variant Classification Sherloc (09022015). Collection method: clinical testing. Allele origin: germline.

All of Us Research Program, National Institutes of Health
Classification: Likely benign for Long QT syndrome. Last evaluated: 2024-08-06. Review status: criteria provided, single submitter. Criteria: ACMG Guidelines, 2015. Collection method: clinical testing. Allele origin: germline. Inheritance: Autosomal dominant inheritance. Observed: 6 variant alleles, 6 heterozygotes.
Comment: This study involves interpretation of variants in research participants for the purpose of population health screening. Participant phenotype was not available at the time of variant classification. Additional details can be found in publication PMID: 35346344, PMCID: PMC8962531

Color Diagnostics, LLC DBA Color Health
Classification: Likely benign for Cardiac arrhythmia. Last evaluated: 2021-02-12. Review status: criteria provided, single submitter. Criteria: ACMG Guidelines, 2015. Collection method: clinical testing. Allele origin: germline.

Blueprint Genetics
Classification: Likely benign. Last evaluated: 2020-11-11. Review status: criteria provided, single submitter. Criteria: ACMG Guidelines, 2015. Collection method: clinical testing. Allele origin: germline.

Ambry Genetics
Classification: Likely benign for Cardiovascular phenotype. Last evaluated: 2020-07-21. Review status: criteria provided, single submitter. Criteria: Ambry Variant Classification Scheme 2023. Collection method: clinical testing. Allele origin: germline.

GeneDx
Classification: Likely benign. Last evaluated: 2018-05-17. Review status: criteria provided, single submitter. Criteria: GeneDx Variant Classification (06012015). Collection method: clinical testing. Allele origin: germline. Affected: yes.
Comment: This variant is considered likely benign or benign based on one or more of the following criteria: it is a conservative change, it occurs at a poorly conserved position in the protein, it is predicted to be benign by multiple in silico algorithms, and/or has population frequency not consistent with disease.